The following is an entry in ClinVar:

NM_000903.3(NQO1):c.761T>C (p.Leu254Pro)

Gene: NQO1 (NAD(P)H quinone dehydrogenase 1; minus strand). Cytogenetic location: 16q22.1.
Variant type: single nucleotide variant.
Coding change: c.761T>C on transcript NM_000903.3 (MANE Select); coding-DNA position 761, T replaced by C.
Protein change: p.Leu254Pro; replaces leucine 254 with proline.
Molecular consequence: missense variant.
Genome position (GRCh38, 1-based): chr16:69,711,040, A>G on the plus strand (T>C on the coding strand, the complement: NQO1 is on the minus strand). VCF-style: chr16-69711040-A-G. GRCh37 (hg19) VCF-style: chr16-69744943-A-G.
Other names: c.659T>C, p.Leu220Pro (NM_001025433.2); c.647T>C, p.Leu216Pro (NM_001025434.2); c.545T>C, p.Leu182Pro (NM_001286137.2); short protein forms L220P, L216P, L182P, L254P.
Identifiers: ClinVar variation 3300897 (VCV003300897.1).

ClinVar aggregate classification (germline): Uncertain significance (1 of 4 stars; one submission).

Submission:

Ambry Genetics
Classification: Uncertain significance. Last evaluated: 2024-03-30. Review status: criteria provided, single submitter. Criteria: Ambry Variant Classification Scheme 2023. Collection method: clinical testing. Allele origin: germline.
Comment: The p.L254P variant (also known as c.761T>C), located in coding exon 6 of the NQO1 gene, results from a T to C substitution at nucleotide position 761. The leucine at codon 254 is replaced by proline, an amino acid with similar properties. This amino acid position is conserved. In addition, this alteration is predicted to be tolerated by in silico analysis. Based on the available evidence, the clinical significance of this alteration remains unclear.